The following is an entry in ClinVar:

NM_173660.5(DOK7):c.1323G>A (p.Gly441=)

Gene: DOK7 (docking protein 7; plus strand). Cytogenetic location: 4p16.3.
Variant type: single nucleotide variant.
Coding change: c.1323G>A on transcript NM_173660.5 (MANE Select); coding-DNA position 1323, G replaced by A.
Protein change: p.Gly441=; no amino-acid change (glycine 441 retained).
Molecular consequence: synonymous variant. On other transcripts: 3 prime UTR variant (1).
Genome position (GRCh38, 1-based): chr4:3,493,309, G>A. VCF-style: chr4-3493309-G-A. GRCh37 (hg19) VCF-style: chr4-3495036-G-A.
Other names: c.*544G>A (NM_001164673.2); c.393G>A, p.Gly131= (NM_001256896.2); c.1323G>A, p.Gly441= (NM_001301071.2); c.891G>A, p.Gly297= (NM_001363811.2).
Identifiers: ClinVar variation 772011 (VCV000772011.14), dbSNP rs755615582, ClinGen allele CA91557404.
Genomic context (GRCh38, chr4:3,493,309, plus strand): 5'-CTCACAGGGCAGCCCCGGCAACAGTGCGGCCAGGGACTCAGGCGGCCAGACGTCCGCCGG[G>A]TGTCCCTCTGGCTGGCTGGGCACGAGACGGCGGGGCCTGGTGATGGAGGCCCCCCAGGGC-3'
Protein context (NP_775931.3, residues 431-451): ARDSGGQTSA[Gly441=]CPSGWLGTRR

ClinVar aggregate classification (germline): Likely benign. Review status: criteria provided, multiple submitters, no conflicts (2 of 4 stars). 3 submissions from 3 submitters: Likely benign (3). Last evaluated 2025-12-02.

Conditions:
DOK7-related disorder. Also called: DOK7-related condition.
Fetal akinesia deformation sequence 1 (FADS1). Also called: Pena-Shokeir syndrome type I; Fetal akinesia sequence. Identifiers: Orphanet 994, MedGen C1276035, MONDO:0100101, OMIM 208150, HP:0001989.
Congenital myasthenic syndrome 10. Also called: Myasthenia, limb-girdle, familial. Identifiers: Orphanet 590, MedGen C1850792, MONDO:0009690, OMIM 254300.

Allele frequency attached by ClinVar (database versions not stated): TOPMed 0.00007.
gnomAD v4.1: 50 of 1,605,770 alleles (0.0031%); highest among the groups gnomAD compares: Admixed American, 0.062%; no homozygotes.

Submissions (3):

Labcorp Genetics (formerly Invitae), Labcorp
Classification: Likely benign for Congenital myasthenic syndrome 10; Fetal akinesia deformation sequence 1. Last evaluated: 2025-12-02. Review status: criteria provided, single submitter. Criteria: Invitae Variant Classification Sherloc (09022015). Collection method: clinical testing. Allele origin: germline.

PreventionGenetics, part of Exact Sciences
Classification: Likely benign for DOK7-related condition. Last evaluated: 2025-05-08. Review status: criteria provided, single submitter. Criteria: ACMG Guidelines, 2015. Collection method: clinical testing. Allele origin: germline.
Comment: This variant is classified as likely benign based on ACMG/AMP sequence variant interpretation guidelines (Richards et al. 2015 PMID: 25741868, with internal and published modifications).

GeneDx
Classification: Likely benign. Last evaluated: 2020-03-18. Review status: criteria provided, single submitter. Criteria: GeneDx Variant Classification Process June 2021. Collection method: clinical testing. Allele origin: germline. Affected: yes.